The following is an entry in ClinVar:

NM_001199165.4(CEP112):c.1091C>G (p.Ala364Gly)

Gene: CEP112 (centrosomal protein 112; minus strand). Cytogenetic location: 17q24.1.
Variant type: single nucleotide variant.
Coding change: c.1091C>G on transcript NM_001199165.4 (MANE Select); coding-DNA position 1091, C replaced by G.
Protein change: p.Ala364Gly; replaces alanine 364 with glycine.
Molecular consequence: missense variant.
Genome position (GRCh38, 1-based): chr17:66,053,863, G>C on the plus strand (C>G on the coding strand, the complement: CEP112 is on the minus strand). VCF-style: chr17-66053863-G-C. GRCh37 (hg19) VCF-style: chr17-64049981-G-C.
Other names: c.965C>G, p.Ala322Gly (NM_001302891.3, NM_001353128.2); c.1091C>G, p.Ala364Gly (NM_001353127.2); c.1094C>G, p.Ala365Gly (NM_001353129.2); short protein forms A322G, A364G, A365G.
Identifiers: ClinVar variation 2648112 (VCV002648112.24), dbSNP rs146009782, ClinGen allele CA8719801.

ClinVar aggregate classification (germline): Likely benign (1 of 4 stars; one submission).

Allele frequency attached by ClinVar (database versions not stated): 1000 Genomes Project 30x 0.00297; 1000 Genomes Project 0.00300; ExAC 0.00556; ESP Exome Variant Server 0.00600; gnomAD exomes 0.00693.
gnomAD v4.1: 10,971 of 1,611,928 alleles (0.68%); highest among the groups gnomAD compares: Middle Eastern, 1.3%; 51 homozygotes.

Submission:

CeGaT Center for Human Genetics Tuebingen
Classification: Likely benign. Last evaluated: 2025-02-01. Review status: criteria provided, single submitter. Criteria: CeGaT Center For Human Genetics Tuebingen Variant Classification Criteria Version 2. Collection method: clinical testing. Allele origin: germline. Affected: yes. Observed: 4 variant alleles.
Comment: CEP112: BS2